The following is an entry in ClinVar:

ClinVar aggregate classification (germline): Uncertain significance. Review status: criteria provided, multiple submitters, no conflicts (2 of 4 stars). 2 submissions from 2 submitters: Uncertain significance (2). Last evaluated 2025-06-24.

Conditions:
Inborn genetic diseases. Identifiers: MedGen C0950123, MeSH D030342.
Charcot-Marie-Tooth disease type 4. Also called: Charcot-Marie-Tooth disease, type IV; Charcot-Marie-Tooth, Type 4. Identifiers: Orphanet 64749, MedGen C4082197, MONDO:0018995.

Allele frequency attached by ClinVar (database versions not stated): gnomAD 0.00001; TOPMed 0.00001; gnomAD exomes 0.00002 and 0.00003; ExAC 0.00004.
gnomAD v4.1: 31 of 1,614,024 alleles (0.0019%); highest among the groups gnomAD compares: Non-Finnish European, 0.0025%; no homozygotes.

Submissions (2):

Labcorp Genetics (formerly Invitae), Labcorp
Classification: Uncertain significance for Charcot-Marie-Tooth disease type 4. Last evaluated: 2025-06-24. Review status: criteria provided, single submitter. Criteria: Invitae Variant Classification Sherloc (09022015). Collection method: clinical testing. Allele origin: germline.
Comment: This sequence change replaces leucine, which is neutral and non-polar, with phenylalanine, which is neutral and non-polar, at codon 784 of the SH3TC2 protein (p.Leu784Phe). This variant is present in population databases (rs754938951, gnomAD 0.005%). This variant has not been reported in the literature in individuals affected with SH3TC2-related conditions. ClinVar contains an entry for this variant (Variation ID: 966685). Invitae Evidence Modeling of protein sequence and biophysical properties (such as structural, functional, and spatial information, amino acid conservation, physicochemical variation, residue mobility, and thermodynamic stability) indicates that this missense variant is not expected to disrupt SH3TC2 protein function with a negative predictive value of 95%. In summary, the available evidence is currently insufficient to determine the role of this variant in disease. Therefore, it has been classified as a Variant of Uncertain Significance.

Ambry Genetics
Classification: Uncertain significance for Inborn genetic diseases. Last evaluated: 2023-07-17. Review status: criteria provided, single submitter. Criteria: Ambry Variant Classification Scheme 2023. Collection method: clinical testing. Allele origin: germline.

NM_024577.4(SH3TC2):c.2352G>T (p.Leu784Phe)

Gene: SH3TC2 (SH3 domain and tetratricopeptide repeats 2; minus strand). Cytogenetic location: 5q32.
Variant type: single nucleotide variant.
Coding change: c.2352G>T on transcript NM_024577.4 (MANE Select); coding-DNA position 2352, G replaced by T.
Protein change: p.Leu784Phe; replaces leucine 784 with phenylalanine.
Molecular consequence: missense variant.
Genome position (GRCh38, 1-based): chr5:149,027,380, C>A on the plus strand (G>T on the coding strand, the complement: SH3TC2 is on the minus strand). VCF-style: chr5-149027380-C-A. GRCh37 (hg19) VCF-style: chr5-148406943-C-A.
Other names: short protein forms L784F.
Identifiers: ClinVar variation 966685 (VCV000966685.10), dbSNP rs754938951, ClinGen allele CA3499017.